The following is an entry in ClinVar:

ClinVar aggregate classification (germline): Likely benign. Review status: criteria provided, multiple submitters, no conflicts (2 of 4 stars). 2 submissions from 2 submitters: Likely benign (2). Last evaluated 2022-02-20.

Allele frequency attached by ClinVar (database versions not stated): ExAC 0.00004; gnomAD 0.00004 and 0.00008; gnomAD exomes 0.00004; TOPMed 0.00004; 1000 Genomes Project 0.00060; 1000 Genomes Project 30x 0.00062.
gnomAD v4.1: 120 of 1,613,016 alleles (0.0074%); highest among the groups gnomAD compares: East Asian, 0.25%; no homozygotes.

Submissions (2):

Labcorp Genetics (formerly Invitae), Labcorp
Classification: Likely benign. Last evaluated: 2022-02-20. Review status: criteria provided, single submitter. Criteria: Invitae Variant Classification Sherloc (09022015). Collection method: clinical testing. Allele origin: germline.

Laboratory for Molecular Medicine, Mass General Brigham Personalized Medicine
Classification: Likely benign. Last evaluated: 2017-08-23. Review status: criteria provided, single submitter. Criteria: LMM Criteria. Collection method: clinical testing. Allele origin: germline. Observed: 1 variant allele.
Comment: p.Ala221Ala in exon 2 of SLITRK6: This variant is not expected to have clinical significance because it does not alter an amino acid residue and is not located within the splice consensus sequence. It has been identified in 0.06% (5/8550) of East Asian chromosomes by the Exome Aggregation Consortium (ExAC; dbSNP rs201618207).

NM_032229.3(SLITRK6):c.663C>T (p.Ala221=)

Gene: SLITRK6 (SLIT and NTRK like family member 6; minus strand). Cytogenetic location: 13q31.1.
Variant type: single nucleotide variant.
Coding change: c.663C>T on transcript NM_032229.3 (MANE Select); coding-DNA position 663, C replaced by T.
Protein change: p.Ala221=; no amino-acid change (alanine 221 retained).
Molecular consequence: synonymous variant.
Genome position (GRCh38, 1-based): chr13:85,795,846, G>A on the plus strand (C>T on the coding strand, the complement: SLITRK6 is on the minus strand). VCF-style: chr13-85795846-G-A. GRCh37 (hg19) VCF-style: chr13-86369981-G-A.
Identifiers: ClinVar variation 1120076 (VCV001120076.9), dbSNP rs201618207, ClinGen allele CA7015245.